The following is an entry in ClinVar:

ClinVar aggregate classification (germline): Uncertain significance (1 of 4 stars; one submission).

Conditions:
Familial cold autoinflammatory syndrome 4 (FCAS4). Identifiers: Orphanet 47045, Orphanet 576349, MedGen C4015276, MONDO:0014498, OMIM 616115.
Periodic fever-infantile enterocolitis-autoinflammatory syndrome. Also called: Autoinflammation with infantile enterocolitis. Identifiers: Orphanet 436166, MedGen C4015067, MONDO:0014472, OMIM 616050.

Allele frequency attached by ClinVar (database versions not stated): TOPMed below 0.00001; gnomAD 0.00001.
gnomAD v4.1: 2 of 1,613,728 alleles (0.00012%); highest among the groups gnomAD compares: Non-Finnish European, 0.00017%; no homozygotes.

Submission:

Labcorp Genetics (formerly Invitae), Labcorp
Classification: Uncertain significance for Periodic fever-infantile enterocolitis-autoinflammatory syndrome; Familial cold autoinflammatory syndrome 4. Last evaluated: 2023-10-13. Review status: criteria provided, single submitter. Criteria: Invitae Variant Classification Sherloc (09022015). Collection method: clinical testing. Allele origin: germline.
Comment: This sequence change replaces leucine, which is neutral and non-polar, with tryptophan, which is neutral and slightly polar, at codon 59 of the NLRC4 protein (p.Leu59Trp). This variant is not present in population databases (gnomAD no frequency). This variant has not been reported in the literature in individuals affected with NLRC4-related conditions. ClinVar contains an entry for this variant (Variation ID: 1496216). An algorithm developed to predict the effect of missense changes on protein structure and function (PolyPhen-2) suggests that this variant is likely to be disruptive. In summary, the available evidence is currently insufficient to determine the role of this variant in disease. Therefore, it has been classified as a Variant of Uncertain Significance.

NM_001199138.2(NLRC4):c.176T>G (p.Leu59Trp)

Gene: NLRC4 (NLR family CARD domain containing 4; minus strand). Cytogenetic location: 2p22.3.
Variant type: single nucleotide variant.
Coding change: c.176T>G on transcript NM_001199138.2 (MANE Select); coding-DNA position 176, T replaced by G.
Protein change: p.Leu59Trp; replaces leucine 59 with tryptophan.
Molecular consequence: missense variant.
Genome position (GRCh38, 1-based): chr2:32,252,505, A>C on the plus strand (T>G on the coding strand, the complement: NLRC4 is on the minus strand). VCF-style: chr2-32252505-A-C. GRCh37 (hg19) VCF-style: chr2-32477574-A-C.
Other names: c.176T>G, p.Leu59Trp (NM_001199139.2, NM_001302504.2, NM_021209.5); short protein forms L59W.
Identifiers: ClinVar variation 1496216 (VCV001496216.8), dbSNP rs925367132, ClinGen allele CA44755150.